The following is an entry in ClinVar:

NM_080732.4(EGLN2):c.760G>A (p.Gly254Ser)

Genes: EGLN2 (egl-9 family hypoxia inducible factor 2; plus strand), RAB4B-EGLN2 (RAB4B-EGLN2 readthrough (NMD candidate); plus strand). Cytogenetic location: 19q13.2.
Variant type: single nucleotide variant.
Coding change: c.760G>A on transcript NM_080732.4 (MANE Select); coding-DNA position 760, G replaced by A.
Protein change: p.Gly254Ser; replaces glycine 254 with serine.
Molecular consequence: missense variant. On other transcripts: non-coding transcript variant (1).
Genome position (GRCh38, 1-based): chr19:40,801,332, G>A. VCF-style: chr19-40801332-G-A. GRCh37 (hg19) VCF-style: chr19-41307237-G-A.
Other names: c.760G>A, p.Gly254Ser (NM_053046.4); short protein forms G254S.
Identifiers: ClinVar variation 1759787 (VCV001759787.2), dbSNP rs1011373407, ClinGen allele CA405955923.

ClinVar aggregate classification (germline): Uncertain significance (1 of 4 stars; one submission).

Submission:

Ambry Genetics
Classification: Uncertain significance. Last evaluated: 2024-02-28. Review status: criteria provided, single submitter. Criteria: Ambry Variant Classification Scheme 2023. Collection method: clinical testing. Allele origin: germline.
Comment: The p.G254S variant (also known as c.760G>A), located in coding exon 1 of the EGLN2 gene, results from a G to A substitution at nucleotide position 760. The glycine at codon 254 is replaced by serine, an amino acid with similar properties. This amino acid position is conserved. In addition, the in silico prediction for this alteration is inconclusive. Since supporting evidence is limited at this time, the clinical significance of this alteration remains unclear.